The following is an entry in ClinVar:

NM_033109.5(PNPT1):c.122G>C (p.Ser41Thr)

Genes: PNPT1 (polyribonucleotide nucleotidyltransferase 1; minus strand), LOC129933770 (ATAC-STARR-seq lymphoblastoid active region 15785; plus strand). Cytogenetic location: 2p16.1.
Variant type: single nucleotide variant.
Coding change: c.122G>C on transcript NM_033109.5 (MANE Select); coding-DNA position 122, G replaced by C.
Protein change: p.Ser41Thr; replaces serine 41 with threonine.
Molecular consequence: missense variant.
Genome position (GRCh38, 1-based): chr2:55,693,702, C>G on the plus strand (G>C on the coding strand, the complement: PNPT1 is on the minus strand). VCF-style: chr2-55693702-C-G. GRCh37 (hg19) VCF-style: chr2-55920837-C-G.
Other names: p.S41T:AGC>ACC; c.122G>C (NM_033109.3); short protein forms S41T.
Identifiers: ClinVar variation 215004 (VCV000215004.52), dbSNP rs140796438, ClinGen allele CA321617.

ClinVar aggregate classification (germline): Benign/Likely benign. Review status: criteria provided, multiple submitters, no conflicts (2 of 4 stars). 10 submissions from 10 submitters: Benign (1); Likely benign (7). 2 of the submissions do not count toward it. Last evaluated 2026-06-01.

Conditions:
PNPT1-related disorder. Also called: PNPT1-related condition; PNPT1-related disorders.
Inborn genetic diseases. Identifiers: MedGen C0950123, MeSH D030342.

Allele frequency attached by ClinVar (database versions not stated): 1000 Genomes Project 30x 0.00016; 1000 Genomes Project 0.00020; ESP Exome Variant Server 0.00200; gnomAD 0.00204 and 0.00229; TOPMed 0.00206; gnomAD exomes 0.00247 and 0.00256; ExAC 0.00290.
gnomAD v4.1: 4,005 of 1,614,208 alleles (0.25%); highest among the groups gnomAD compares: Non-Finnish European, 0.29%; 10 homozygotes.

Submissions (10):

CeGaT Center for Human Genetics Tuebingen
Classification: Likely benign. Last evaluated: 2026-06-01. Review status: criteria provided, single submitter. Criteria: CeGaT Center For Human Genetics Tuebingen Variant Classification Criteria Version 2. Collection method: clinical testing. Allele origin: germline. Affected: yes. Observed: 8 variant alleles.
Comment: PNPT1: BP4, BS2

Labcorp Genetics (formerly Invitae), Labcorp
Classification: Benign. Last evaluated: 2026-02-03. Review status: criteria provided, single submitter. Criteria: Invitae Variant Classification Sherloc (09022015). Collection method: clinical testing. Allele origin: germline.

Blueprint Genetics
Classification: Likely benign. Last evaluated: 2024-11-20. Review status: criteria provided, single submitter. Criteria: ACMG Guidelines, 2015. Collection method: clinical testing. Allele origin: germline.

Ambry Genetics
Classification: Likely benign for Inborn genetic diseases. Last evaluated: 2023-10-13. Review status: criteria provided, single submitter. Criteria: Ambry Variant Classification Scheme 2023. Collection method: clinical testing. Allele origin: germline.

GeneDx
Classification: Likely benign. Last evaluated: 2021-06-10. Review status: criteria provided, single submitter. Criteria: GeneDx Variant Classification Process June 2021. Collection method: clinical testing. Allele origin: germline. Affected: yes.

Eurofins Ntd Llc (ga)
Classification: Likely benign. Last evaluated: 2016-07-05. Review status: criteria provided, single submitter. Criteria: EGL Classification Definitions 2015. Collection method: clinical testing. Allele origin: germline. Observed: 1 variant allele, 1 heterozygote.

Genomic Diagnostic Laboratory, Division of Genomic Diagnostics, Children's Hospital of Philadelphia
Classification: Likely benign. Last evaluated: 2015-08-24. Review status: criteria provided, single submitter. Criteria: DGD Variant Analysis Guidelines. Collection method: clinical testing. Allele origin: unknown.

Breakthrough Genomics
Classification: Likely benign. Review status: criteria provided, single submitter. Criteria: ACMG Guidelines, 2015. Collection method: not provided. Allele origin: germline. Inheritance: Autosomal recessive inheritance. Affected: yes.

PreventionGenetics, part of Exact Sciences
Classification: Benign for PNPT1-related condition. Last evaluated: 2019-06-15. Review status: no assertion criteria provided. Collection method: clinical testing. Allele origin: germline. Not counted in ClinVar's aggregate classification.
Comment: This variant is classified as benign based on ACMG/AMP sequence variant interpretation guidelines (Richards et al. 2015 PMID: 25741868, with internal and published modifications).

Mayo Clinic Laboratories, Mayo Clinic
Classification: Likely benign. Last evaluated: 2017-10-12. Review status: no assertion criteria provided. Collection method: clinical testing. Allele origin: unknown. Not counted in ClinVar's aggregate classification.